The following is an entry in ClinVar:

NM_003872.3(NRP2):c.2773G>A (p.Glu925Lys)

Gene: NRP2 (neuropilin 2; plus strand). Cytogenetic location: 2q33.3.
Variant type: single nucleotide variant.
Coding change: c.2773G>A on transcript NM_003872.3 (MANE Select); coding-DNA position 2773, G replaced by A.
Protein change: p.Glu925Lys; replaces glutamic acid 925 with lysine.
Molecular consequence: missense variant.
Genome position (GRCh38, 1-based): chr2:205,795,050, G>A. VCF-style: chr2-205795050-G-A. GRCh37 (hg19) VCF-style: chr2-206659774-G-A.
Other names: c.2788G>A, p.Glu930Lys (NM_201266.2); c.2722G>A, p.Glu908Lys (NM_201279.2); short protein forms E908K, E925K, E930K.
Identifiers: ClinVar variation 2635843 (VCV002635843.2), dbSNP rs772057016, ClinGen allele CA2069657.

ClinVar aggregate classification (germline): Uncertain significance (0 of 4 stars; one submission).

Conditions:
NRP2-related disorder. Also called: NRP2-related condition.

Allele frequency attached by ClinVar (database versions not stated): gnomAD 0.00003; TOPMed 0.00005.
gnomAD v4.1: 65 of 1,613,820 alleles (0.004%); highest among the groups gnomAD compares: Non-Finnish European, 0.0047%; no homozygotes.

Submission:

PreventionGenetics, part of Exact Sciences
Classification: Uncertain significance for NRP2-related condition. Last evaluated: 2024-09-03. Review status: no assertion criteria provided. Collection method: clinical testing. Allele origin: germline.
Comment: The NRP2 c.2788G>A variant is predicted to result in the amino acid substitution p.Glu930Lys. To our knowledge, this variant has not been reported in the literature. This variant is reported in 0.0088% of alleles in individuals of European (Non-Finnish) descent in gnomAD. At this time, the clinical significance of this variant is uncertain due to the absence of conclusive functional and genetic evidence.